The following is an entry in ClinVar:

NM_001684.5(ATP2B4):c.1545C>T (p.Thr515=)

Gene: ATP2B4 (ATPase plasma membrane Ca2+ transporting 4; plus strand). Cytogenetic location: 1q32.1.
Variant type: single nucleotide variant.
Coding change: c.1545C>T on transcript NM_001684.5 (MANE Select); coding-DNA position 1545, C replaced by T.
Protein change: p.Thr515=; no amino-acid change (threonine 515 retained).
Molecular consequence: synonymous variant.
Genome position (GRCh38, 1-based): chr1:203,708,092, C>T. VCF-style: chr1-203708092-C-T. GRCh37 (hg19) VCF-style: chr1-203677220-C-T.
Other names: c.1545C>T, p.Thr515= (NM_001001396.3, NM_001365783.2, NM_001365784.2).
Identifiers: ClinVar variation 703944 (VCV000703944.14), dbSNP rs114362667, ClinGen allele CA1341638.

ClinVar aggregate classification (germline): Benign. Review status: criteria provided, multiple submitters, no conflicts (2 of 4 stars). 3 submissions from 3 submitters: Benign (2). 1 of the submissions does not count toward it. Last evaluated 2025-05-17.

Conditions:
ATP2B4-related disorder. Also called: ATP2B4-related condition.

Allele frequency attached by ClinVar (database versions not stated): gnomAD exomes 0.00087 and 0.00215; ExAC 0.00236; gnomAD 0.00721 and 0.00774; ESP Exome Variant Server 0.00761; TOPMed 0.00852; 1000 Genomes Project 30x 0.00874; 1000 Genomes Project 0.00919.
gnomAD v4.1: 2,430 of 1,614,164 alleles (0.15%); highest among the groups gnomAD compares: African/African-American, 2.3%; 24 homozygotes.

Submissions (3):

Labcorp Genetics (formerly Invitae), Labcorp
Classification: Benign. Last evaluated: 2025-05-17. Review status: criteria provided, single submitter. Criteria: Invitae Variant Classification Sherloc (09022015). Collection method: clinical testing. Allele origin: germline.

Breakthrough Genomics
Classification: Benign. Review status: criteria provided, single submitter. Criteria: ACMG Guidelines, 2015. Collection method: not provided. Allele origin: germline. Inheritance: Unknown mechanism. Affected: yes.

PreventionGenetics, part of Exact Sciences
Classification: Benign for ATP2B4-related condition. Last evaluated: 2019-11-11. Review status: no assertion criteria provided. Collection method: clinical testing. Allele origin: germline. Not counted in ClinVar's aggregate classification.
Comment: This variant is classified as benign based on ACMG/AMP sequence variant interpretation guidelines (Richards et al. 2015 PMID: 25741868, with internal and published modifications).